The following is an entry in ClinVar:

NM_015072.5(TTLL5):c.2936C>T (p.Ala979Val)

Gene: TTLL5 (tubulin tyrosine ligase like 5; plus strand). Cytogenetic location: 14q24.3.
Variant type: single nucleotide variant.
Coding change: c.2936C>T on transcript NM_015072.5 (MANE Select); coding-DNA position 2936, C replaced by T.
Protein change: p.Ala979Val; replaces alanine 979 with valine.
Molecular consequence: missense variant.
Genome position (GRCh38, 1-based): chr14:75,783,480, C>T. VCF-style: chr14-75783480-C-T. GRCh37 (hg19) VCF-style: chr14-76249823-C-T.
Other names: short protein forms A979V.
Identifiers: ClinVar variation 1519745 (VCV001519745.8), dbSNP rs2140331610, ClinGen allele CA390472676.

ClinVar aggregate classification (germline): Uncertain significance (1 of 4 stars; one submission).

Submission:

Labcorp Genetics (formerly Invitae), Labcorp
Classification: Uncertain significance. Last evaluated: 2022-06-13. Review status: criteria provided, single submitter. Criteria: Invitae Variant Classification Sherloc (09022015). Collection method: clinical testing. Allele origin: germline.
Comment: This sequence change replaces alanine, which is neutral and non-polar, with valine, which is neutral and non-polar, at codon 979 of the TTLL5 protein (p.Ala979Val). This variant is not present in population databases (gnomAD no frequency). This variant has not been reported in the literature in individuals affected with TTLL5-related conditions. Algorithms developed to predict the effect of missense changes on protein structure and function are either unavailable or do not agree on the potential impact of this missense change (SIFT: "Tolerated"; PolyPhen-2: "Possibly Damaging"; Align-GVGD: "Class C0"). In summary, the available evidence is currently insufficient to determine the role of this variant in disease. Therefore, it has been classified as a Variant of Uncertain Significance.